The following is an entry in ClinVar:

NM_031307.4(PUS3):c.1211_1213del (p.Glu404del)

Genes: HYLS1 (HYLS1 centriolar and ciliogenesis associated; plus strand), PUS3 (pseudouridine synthase 3; minus strand). Cytogenetic location: 11q24.2.
Variant type: Deletion.
Coding change: c.1211_1213del on transcript NM_031307.4 (MANE Select); coding-DNA positions 1211 to 1213, 3 bases deleted (AAG; older notation c.1211_1213delAAG).
Protein change: p.Glu404del; deletes glutamic acid 404.
Molecular consequence: inframe deletion. On other transcripts: intron variant (5).
Genome position (GRCh38, 1-based): chr11:125,894,018-125,894,020, CTT deleted on the plus strand (AAG on the coding strand, the reverse complement: PUS3 is on the minus strand); deleting any 3 consecutive bases within chr11:125,894,018-125,894,022 gives the same sequence; the c. name uses the placement nearest the transcript's 3' end. VCF-style (leftmost placement, unchanged base first): chr11-125894017-CCTT-C. GRCh37 (hg19) VCF-style: chr11-125763912-CCTT-C.
Other names: c.587_589del, p.Glu196del (NM_001271985.2); c.-81+2548_-81+2550del (NM_145014.3); c.-26+2548_-26+2550del (NM_001134793.2); c.-23+2548_-23+2550del (NM_001424364.1); c.-25-5324_-25-5322del (NM_001377269.1); c.-22-5327_-22-5325del (NM_001377270.1); short protein forms E196del, E404del.
Identifiers: ClinVar variation 2264330 (VCV002264330.2), dbSNP rs763665786, ClinGen allele CA6350365.
Genomic context (GRCh38, chr11:125,894,017, plus strand): 5'-GATTCCAGTCCTTGGCATTTAGGACGGTCCATGAGGGGCTTATATGTGCGCATCTTCACT[CCTT>C]CTACAAAGGCACTGGTCTGCTTTATGACAGAGGGCTTAACATTTCCCCATTCTGTCATTC-3'

ClinVar aggregate classification (germline): Uncertain significance (1 of 4 stars; one submission).

Conditions:
Inborn genetic diseases. Identifiers: MedGen C0950123, MeSH D030342.

Submission:

Ambry Genetics
Classification: Uncertain significance for Inborn genetic diseases. Last evaluated: 2022-01-16. Review status: criteria provided, single submitter. Criteria: Ambry Variant Classification Scheme 2023. Collection method: clinical testing. Allele origin: germline.
Comment: The c.1211_1213delAAG (p.E404del) alteration is located in exon 4 (coding exon 3) of the PUS3 gene. This alteration consists of an in-frame deletion of 3 nucleotides between nucleotide positions c.1211 and c.1213, resulting in the deletion of 1 residue. Based on insufficient or conflicting evidence, the clinical significance of this alteration remains unclear.